The following is an entry in ClinVar:

NM_005862.3(STAG1):c.1013C>T (p.Thr338Ile)

Gene: STAG1 (STAG1 cohesin complex component; minus strand). Cytogenetic location: 3q22.3.
Variant type: single nucleotide variant.
Coding change: c.1013C>T on transcript NM_005862.3 (MANE Select); coding-DNA position 1013, C replaced by T.
Protein change: p.Thr338Ile; replaces threonine 338 with isoleucine.
Molecular consequence: missense variant.
Genome position (GRCh38, 1-based): chr3:136,477,302, G>A on the plus strand (C>T on the coding strand, the complement: STAG1 is on the minus strand). VCF-style: chr3-136477302-G-A. GRCh37 (hg19) VCF-style: chr3-136196144-G-A.
Other names: short protein forms T338I.
Identifiers: ClinVar variation 3602426 (VCV003602426.1).

ClinVar aggregate classification (germline): Uncertain significance (1 of 4 stars; one submission).

Submission:

GeneDx
Classification: Uncertain significance. Last evaluated: 2024-08-02. Review status: criteria provided, single submitter. Criteria: GeneDx Variant Classification Process June 2021. Collection method: clinical testing. Allele origin: germline. Affected: yes.
Comment: Not observed at significant frequency in large population cohorts (gnomAD); In silico analysis supports that this missense variant has a deleterious effect on protein structure/function; Has not been previously published as pathogenic or benign to our knowledge